The following is an entry in ClinVar:

ClinVar aggregate classification (germline): Uncertain significance (1 of 4 stars; one submission).

Conditions:
Inborn genetic diseases. Identifiers: MedGen C0950123, MeSH D030342.

Submission:

Ambry Genetics
Classification: Uncertain significance for Inborn genetic diseases. Last evaluated: 2024-08-11. Review status: criteria provided, single submitter. Criteria: Ambry Variant Classification Scheme 2023. Collection method: clinical testing. Allele origin: germline.
Comment: The p.G92D variant (also known as c.275G>A), located in coding exon 4 of the BUB1B gene, results from a G to A substitution at nucleotide position 275. The glycine at codon 92 is replaced by aspartic acid, an amino acid with similar properties. This amino acid position is conserved. In addition, the in silico prediction for this alteration is inconclusive. Based on the available evidence, the clinical significance of this variant remains unclear.

NM_001211.6(BUB1B):c.275G>A (p.Gly92Asp)

Gene: BUB1B (BUB1 mitotic checkpoint serine/threonine kinase B; plus strand). Cytogenetic location: 15q15.1.
Variant type: single nucleotide variant.
Coding change: c.275G>A on transcript NM_001211.6 (MANE Select); coding-DNA position 275, G replaced by A.
Protein change: p.Gly92Asp; replaces glycine 92 with aspartic acid.
Molecular consequence: missense variant.
Genome position (GRCh38, 1-based): chr15:40,170,572, G>A. VCF-style: chr15-40170572-G-A. GRCh37 (hg19) VCF-style: chr15-40462773-G-A.
Other names: short protein forms G92D.
Identifiers: ClinVar variation 3483168 (VCV003483168.1).
Genomic context (GRCh38, chr15:40,170,572, plus strand): 5'-TTCTTATCTTTTTCCTCCCATTTAGGTATATCAGCTGGACAGAGCAGAACTATCCTCAAG[G>A]TGGGAAGGAGAGTAATATGTCAACGTTATTAGAAAGAGCTGTAGAAGCACTACAAGGAGA-3'
Protein context (NP_001202.5, residues 82-102): ISWTEQNYPQ[Gly92Asp]GKESNMSTLL